The following is an entry in ClinVar:

ClinVar aggregate classification (germline): Pathogenic. Review status: criteria provided, multiple submitters, no conflicts (2 of 4 stars). 6 submissions from 6 submitters: Pathogenic (5). 1 of the submissions does not count toward it. Last evaluated 2025-09-30.

Conditions:
Primary hyperoxaluria. Identifiers: Orphanet 416, MedGen C0020501, MONDO:0002474.
Primary hyperoxaluria, type I (HP1). Also called: Primary hyperoxaluria type 1; GLYCOLIC ACIDURIA; HEPATIC AGT DEFICIENCY; OXALOSIS I. Identifiers: Orphanet 416, Orphanet 93598, MedGen C0268164, MONDO:0009823, OMIM 259900. Disease mechanism: loss of function.

gnomAD v4.1: 2 of 1,605,674 alleles (0.00012%); highest among the groups gnomAD compares: Non-Finnish European, 0.00017%; no homozygotes.

Submissions (6):

Natera, Inc.
Classification: Pathogenic for Primary hyperoxaluria type I. Last evaluated: 2025-09-30. Review status: criteria provided, single submitter. Criteria: Natera Variant Classification Schema (03/2026). Collection method: clinical testing. Allele origin: germline.
Comment: The c.331C>T variant in AGXT is a nonsense variant predicted to introduce a stop codon at amino acid 111. This variant is expected to result in nonsense mediated decay, truncation, or a dysfunctional protein product. This variant is rare in the general population with a frequency below the threshold expected for the associated phenotype(s). This variant has been observed in one or more individuals affected with the associated recessive disease, as either homozygous or compound heterozygous with a second variant (PMID: 15110324). Given the available evidence, this variant is classified as Pathogenic.

Women's Health and Genetics/Laboratory Corporation of America, LabCorp
Classification: Pathogenic for Primary hyperoxaluria. Last evaluated: 2023-08-18. Review status: criteria provided, single submitter. Criteria: LabCorp Variant Classification Summary - May 2015. Collection method: clinical testing. Allele origin: germline.
Comment: Variant summary: AGXT c.331C>T (p.Arg111X) results in a premature termination codon, predicted to cause a truncation of the encoded protein or absence of the protein due to nonsense mediated decay, which are commonly known mechanisms for disease. Variants downstream of this position have been classified as pathogenic by our laboratory. The variant was absent in 243692 control chromosomes (gnomAD). c.331C>T has been reported in the literature in individuals affected with Primary Hyperoxaluria Type 1 (examples: Du_2018, and Birtel_2019). At least one publication reports experimental evidence that this variant leads to absence of protein and enzyme activity (Du_2018). The following publications have been ascertained in the context of this evaluation (PMID: 31078535, 30341509). Two submitters have cited clinical-significance assessments for this variant to ClinVar after 2014. All submitters classified the variant as pathogenic. Based on the evidence outlined above, the variant was classified as pathogenic.

Labcorp Genetics (formerly Invitae), Labcorp
Classification: Pathogenic. Last evaluated: 2023-05-02. Review status: criteria provided, single submitter. Criteria: Invitae Variant Classification Sherloc (09022015). Collection method: clinical testing. Allele origin: germline.
Comment: For these reasons, this variant has been classified as Pathogenic. ClinVar contains an entry for this variant (Variation ID: 204091). This premature translational stop signal has been observed in individual(s) with primary hyperoxaluria (PMID: 15110324, 30341509). This variant is not present in population databases (gnomAD no frequency). This sequence change creates a premature translational stop signal (p.Arg111*) in the AGXT gene. It is expected to result in an absent or disrupted protein product. Loss-of-function variants in AGXT are known to be pathogenic (PMID: 19479957).

Revvity Omics, Revvity
Classification: Pathogenic for Primary hyperoxaluria, type I. Last evaluated: 2022-09-02. Review status: criteria provided, single submitter. Criteria: ACMG Guidelines, 2015. Collection method: clinical testing. Allele origin: germline.

Juno Genomics, Hangzhou Juno Genomics, Inc
Classification: Pathogenic for Primary hyperoxaluria, type I. Review status: criteria provided, single submitter. Criteria: ACMG Guidelines, 2015. Collection method: clinical testing. Allele origin: germline.
Comment: Absent from controls (or at extremely low frequency if recessive) in Genome Aggregation Database.;Null variant in a gene where loss of function (LOF) is a known mechanism of disease.;For recessive disorders, detected in trans with a pathogenic variant.

Clinical Biochemistry Laboratory, Health Services Laboratory
Classification: Pathogenic for Primary hyperoxaluria, type I. Last evaluated: 2014-11-27. Review status: no assertion criteria provided. Collection method: research. Allele origin: germline. Affected: yes. Not counted in ClinVar's aggregate classification.

Literature cited by the submitters: PubMed 15110324 (cited by 3 submitters); PubMed 30341509 (cited by Women's Health and Genetics/Laboratory Corporation of America, LabCorp and Labcorp Genetics (formerly Invitae), Labcorp); PubMed 31078535 (cited by Women's Health and Genetics/Laboratory Corporation of America, LabCorp); PubMed 19479957 (cited by Labcorp Genetics (formerly Invitae), Labcorp).

NM_000030.3(AGXT):c.331C>T (p.Arg111Ter)

Gene: AGXT (alanine--glyoxylate aminotransferase; plus strand). Cytogenetic location: 2q37.3.
Variant type: single nucleotide variant.
Coding change: c.331C>T on transcript NM_000030.3 (MANE Select); coding-DNA position 331, C replaced by T.
Protein change: p.Arg111Ter; replaces arginine 111 with a stop codon.
Molecular consequence: nonsense.
Genome position (GRCh38, 1-based): chr2:240,869,335, C>T. VCF-style: chr2-240869335-C-T. GRCh37 (hg19) VCF-style: chr2-241808752-C-T.
Other names: short protein forms R111*.
Identifiers: ClinVar variation 204091 (VCV000204091.17), dbSNP rs180177202, ClinGen allele CA275668.
Genomic context (GRCh38, chr2:240,869,335, plus strand): 5'-GTCAATGTGCTGGAGCCTGGGGACTCCTTCCTGGTTGGGGCCAATGGCATTTGGGGGCAG[C>T]GAGCCGTGGACATCGGGGAGCGCATAGGTAAGGGAGAGGCCCAGGTGGGGATGGCCCTGG-3'